The following is an entry in ClinVar:

ClinVar aggregate classification (germline): Uncertain significance (1 of 4 stars; one submission).

Allele frequency attached by ClinVar (database versions not stated): gnomAD 0.00001; gnomAD exomes 0.00001; ExAC 0.00002; TOPMed 0.00002; 1000 Genomes Project 30x 0.00016; 1000 Genomes Project 0.00020.
gnomAD v4.1: 18 of 1,606,758 alleles (0.0011%); highest among the groups gnomAD compares: Admixed American, 0.0017%; no homozygotes.

Submission:

Labcorp Genetics (formerly Invitae), Labcorp
Classification: Uncertain significance. Last evaluated: 2023-05-08. Review status: criteria provided, single submitter. Criteria: Invitae Variant Classification Sherloc (09022015). Collection method: clinical testing. Allele origin: germline.
Comment: This variant is present in population databases (rs201974195, gnomAD 0.007%). This variant has not been reported in the literature in individuals affected with DSCAML1-related conditions. ClinVar contains an entry for this variant (Variation ID: 1909593). An algorithm developed to predict the effect of missense changes on protein structure and function (PolyPhen-2) suggests that this variant is likely to be disruptive. In summary, the available evidence is currently insufficient to determine the role of this variant in disease. Therefore, it has been classified as a Variant of Uncertain Significance. This sequence change replaces isoleucine, which is neutral and non-polar, with threonine, which is neutral and polar, at codon 1464 of the DSCAML1 protein (p.Ile1464Thr).

NM_020693.4(DSCAML1):c.4211T>C (p.Ile1404Thr)

Gene: DSCAML1 (DS cell adhesion molecule like 1; minus strand). Cytogenetic location: 11q23.3.
Variant type: single nucleotide variant.
Coding change: c.4211T>C on transcript NM_020693.4 (MANE Select); coding-DNA position 4211, T replaced by C.
Protein change: p.Ile1404Thr; replaces isoleucine 1404 with threonine.
Molecular consequence: missense variant.
Genome position (GRCh38, 1-based): chr11:117,438,917, A>G on the plus strand (T>C on the coding strand, the complement: DSCAML1 is on the minus strand). VCF-style: chr11-117438917-A-G. GRCh37 (hg19) VCF-style: chr11-117309633-A-G.
Other names: short protein forms I1404T.
Identifiers: ClinVar variation 1909593 (VCV001909593.5), dbSNP rs201974195, ClinGen allele CA6296456.
Genomic context (GRCh38, chr11:117,438,917, plus strand): 5'-CTTCCCCCGCATCCAGACCCCTCCTCACCTCGGATGGAGCTGCCCCCATTGTCACCTGGA[A>G]TCCAGGTCAGGGTGATGGACGAAGCTGAGGTTTTGGAGACAGTGAGGCGGGGCTGGTCCG-3'
Protein context (NP_065744.3, residues 1394-1414): TSASSITLTW[Ile1404Thr]PGDNGGSSIR